The following is an entry in ClinVar:

NM_015272.5(RPGRIP1L):c.1282C>G (p.Gln428Glu)

Gene: RPGRIP1L (RPGRIP1 like; minus strand). Cytogenetic location: 16q12.2.
Variant type: single nucleotide variant.
Coding change: c.1282C>G on transcript NM_015272.5 (MANE Select); coding-DNA position 1282, C replaced by G.
Protein change: p.Gln428Glu; replaces glutamine 428 with glutamic acid.
Molecular consequence: missense variant.
Genome position (GRCh38, 1-based): chr16:53,658,840, G>C on the plus strand (C>G on the coding strand, the complement: RPGRIP1L is on the minus strand). VCF-style: chr16-53658840-G-C. GRCh37 (hg19) VCF-style: chr16-53692752-G-C.
Other names: c.1282C>G, p.Gln428Glu (NM_001127897.4, NM_001308334.3, NM_001330538.2); short protein forms Q428E.
Identifiers: ClinVar variation 3602946 (VCV003602946.1).
Genomic context (GRCh38, chr16:53,658,840, plus strand): 5'-ACAATTTTATGCGTTTTTTAAGTTCATCAAGTTGTTGCTTTTGTTCCAGATACTGTAACT[G>C]TAGTTCTCTATTCTCTTGAACGAGTTTTTCATTTTGATCTTAAAAATAAAGTCCACACAA-3'
Protein context (NP_056087.2, residues 418-438): EKLVQENREL[Gln428Glu]LQYLEQKQQL

ClinVar aggregate classification (germline): Uncertain significance (1 of 4 stars; one submission).

Submission:

GeneDx
Classification: Uncertain significance. Last evaluated: 2024-08-08. Review status: criteria provided, single submitter. Criteria: GeneDx Variant Classification Process June 2021. Collection method: clinical testing. Allele origin: germline. Affected: yes.
Comment: Not observed at significant frequency in large population cohorts (gnomAD); In silico analysis indicates that this missense variant does not alter protein structure/function; Has not been previously published as pathogenic or benign to our knowledge